The following is an entry in ClinVar:

NM_033026.6(PCLO):c.7714T>C (p.Phe2572Leu)

Gene: PCLO (piccolo presynaptic cytomatrix protein; minus strand). Cytogenetic location: 7q21.11.
Variant type: single nucleotide variant.
Coding change: c.7714T>C on transcript NM_033026.6 (MANE Select); coding-DNA position 7714, T replaced by C.
Protein change: p.Phe2572Leu; replaces phenylalanine 2572 with leucine.
Molecular consequence: missense variant.
Genome position (GRCh38, 1-based): chr7:82,953,239, A>G on the plus strand (T>C on the coding strand, the complement: PCLO is on the minus strand). VCF-style: chr7-82953239-A-G. GRCh37 (hg19) VCF-style: chr7-82582555-A-G.
Other names: c.7714T>C, p.Phe2572Leu (NM_014510.3); short protein forms F2572L.
Identifiers: ClinVar variation 1396158 (VCV001396158.3), dbSNP rs1192801348, ClinGen allele CA367916164.

ClinVar aggregate classification (germline): Uncertain significance (1 of 4 stars; one submission).

Allele frequency attached by ClinVar (database versions not stated): gnomAD 0.00001; gnomAD exomes 0.00001; TOPMed 0.00001.
gnomAD v4.1: 9 of 1,613,804 alleles (0.00056%); highest among the groups gnomAD compares: Non-Finnish European, 0.00076%; no homozygotes.

Submission:

Labcorp Genetics (formerly Invitae), Labcorp
Classification: Uncertain significance. Last evaluated: 2022-02-14. Review status: criteria provided, single submitter. Criteria: Invitae Variant Classification Sherloc (09022015). Collection method: clinical testing. Allele origin: germline.
Comment: This sequence change replaces phenylalanine, which is neutral and non-polar, with leucine, which is neutral and non-polar, at codon 2572 of the PCLO protein (p.Phe2572Leu). This variant is not present in population databases (gnomAD no frequency). This variant has not been reported in the literature in individuals affected with PCLO-related conditions. Algorithms developed to predict the effect of missense changes on protein structure and function output the following: SIFT: "Tolerated"; PolyPhen-2: "Not Available"; Align-GVGD: "Class C0". The leucine amino acid residue is found in multiple mammalian species, which suggests that this missense change does not adversely affect protein function. In summary, the available evidence is currently insufficient to determine the role of this variant in disease. Therefore, it has been classified as a Variant of Uncertain Significance.